The following is an entry in ClinVar:

ClinVar aggregate classification (germline): Conflicting classifications of pathogenicity. Review status: criteria provided, conflicting classifications (1 of 4 stars). 4 submissions from 4 submitters: Uncertain significance (3); Likely benign (1). Last evaluated 2025-10-26.

Conditions:
Hereditary cancer-predisposing syndrome. Also called: Neoplastic Syndromes, Hereditary; Hereditary Cancer Syndrome; Tumor predisposition; Hereditary neoplastic syndrome. Identifiers: Orphanet 140162, MedGen C0027672, MeSH D009386, MONDO:0015356.
ATM-related cancer predisposition. Also called: ATM-related cancer susceptibility. Identifiers: MedGen CN377759, MONDO:0700270.
Ataxia-telangiectasia syndrome (AT). Also called: LOUIS-BAR SYNDROME; Cerebello-oculocutaneous telangiectasia; Immunodeficiency with ataxia telangiectasia; Ataxia-telangiectasia, complementation group D; AT, COMPLEMENTATION GROUP C; Ataxia-telangiectasia, complementation group E. Identifiers: Orphanet 100, MedGen C0004135, MONDO:0008840, OMIM 208900.

Submissions (4):

Labcorp Genetics (formerly Invitae), Labcorp
Classification: Uncertain significance for Ataxia-telangiectasia syndrome. Last evaluated: 2025-10-26. Review status: criteria provided, single submitter. Criteria: Invitae Variant Classification Sherloc (09022015). Collection method: clinical testing. Allele origin: germline.
Comment: This sequence change replaces glutamine, which is neutral and polar, with glutamic acid, which is acidic and polar, at codon 2828 of the ATM protein (p.Gln2828Glu). This variant is not present in population databases (gnomAD no frequency). This missense change has been observed in individual(s) with prostate cancer (PMID: 33436325). ClinVar contains an entry for this variant (Variation ID: 485207). Invitae Evidence Modeling of protein sequence and biophysical properties (such as structural, functional, and spatial information, amino acid conservation, physicochemical variation, residue mobility, and thermodynamic stability) indicates that this missense variant is not expected to disrupt ATM protein function with a negative predictive value of 95%. In summary, the available evidence is currently insufficient to determine the role of this variant in disease. Therefore, it has been classified as a Variant of Uncertain Significance.

Ambry Genetics
Classification: Likely benign for Hereditary cancer-predisposing syndrome. Last evaluated: 2024-03-19. Review status: criteria provided, single submitter. Criteria: Ambry Variant Classification Scheme 2023. Collection method: clinical testing. Allele origin: germline.

Department of Pathology and Laboratory Medicine, Sinai Health System
Classification: Uncertain significance for ATM-related cancer predisposition. Last evaluated: 2022-06-16. Review status: criteria provided, single submitter. Criteria: ACMG Guidelines, 2015. Collection method: clinical testing. Allele origin: germline. Affected: no.

Color Diagnostics, LLC DBA Color Health
Classification: Uncertain significance for Hereditary cancer-predisposing syndrome. Last evaluated: 2020-02-09. Review status: criteria provided, single submitter. Criteria: ACMG Guidelines, 2015. Collection method: clinical testing. Allele origin: germline.
Comment: This missense variant replaces glutamine with glutamic acid at codon 2828 of the ATM protein. Computational prediction suggests that this variant may not impact protein structure and function (internally defined REVEL score threshold <= 0.5, PMID: 27666373). Splice site prediction tools suggest that this variant may not impact RNA splicing. To our knowledge, functional studies have not been performed for this variant. This variant has not been reported in individuals affected with hereditary cancer in the literature. This variant has not been identified in the general population by the Genome Aggregation Database (gnomAD). The available evidence is insufficient to determine the role of this variant in disease conclusively. Therefore, this variant is classified as a Variant of Uncertain Significance.

Literature cited by the submitters: PubMed 33436325 (cited by Labcorp Genetics (formerly Invitae), Labcorp and Ambry Genetics).

NM_000051.4(ATM):c.8482C>G (p.Gln2828Glu)

Genes: ATM (ATM serine/threonine kinase; plus strand), C11orf65 (chromosome 11 open reading frame 65; minus strand). Cytogenetic location: 11q22.3.
Variant type: single nucleotide variant.
Coding change: c.8482C>G on transcript NM_000051.4 (MANE Select); coding-DNA position 8482, C replaced by G.
Protein change: p.Gln2828Glu; replaces glutamine 2828 with glutamic acid.
Molecular consequence: missense variant. On other transcripts: intron variant (2).
Genome position (GRCh38, 1-based): chr11:108,345,806, C>G. VCF-style: chr11-108345806-C-G. GRCh37 (hg19) VCF-style: chr11-108216533-C-G.
Other names: c.8482C>G, p.Gln2828Glu (NM_001351834.2); c.641-36735G>C (NM_001330368.2); c.695-10514G>C (NM_001351110.2); short protein forms Q2828E.
Identifiers: ClinVar variation 485207 (VCV000485207.21), dbSNP rs1555138125, ClinGen allele CA382518054.